The following is an entry in ClinVar:

NM_001042492.3(NF1):c.2271_2272del (p.Arg758fs)

Gene: NF1 (neurofibromin 1; plus strand). Cytogenetic location: 17q11.2.
Variant type: Deletion.
Coding change: c.2271_2272del on transcript NM_001042492.3 (MANE Select); coding-DNA positions 2271 to 2272, 2 bases deleted (AA; older notation c.2271_2272delAA).
Protein change: p.Arg758fs; shifts the reading frame from arginine 758.
Molecular consequence: frameshift variant.
Genome position (GRCh38, 1-based): chr17:31,227,237-31,227,238, AA deleted; deleting any 2 consecutive bases within chr17:31,227,235-31,227,238 gives the same sequence; the c. name uses the placement nearest the transcript's 3' end. VCF-style (leftmost placement, unchanged base first): chr17-31227234-GAA-G. GRCh37 (hg19) VCF-style: chr17-29554252-GAA-G.
Other names: c.2271_2272delAA (NM_000267.3); c.2271_2272delAA, p.Arg758Serfs (NM_000267.4); short protein forms R758fs.
Identifiers: ClinVar variation 849296 (VCV000849296.10), dbSNP rs2067030828, ClinGen allele CA916080589.

ClinVar aggregate classification (germline): Pathogenic. Review status: criteria provided, multiple submitters, no conflicts (2 of 4 stars). 3 submissions from 3 submitters: Pathogenic (3). Last evaluated 2025-10-01.

Conditions:
Cardiovascular phenotype. Identifiers: MedGen CN230736.
Hereditary cancer-predisposing syndrome. Also called: Neoplastic Syndromes, Hereditary; Hereditary neoplastic syndrome; Tumor predisposition; Hereditary Cancer Syndrome. Identifiers: Orphanet 140162, MedGen C0027672, MeSH D009386, MONDO:0015356.
Neurofibromatosis, type 1 (NF1). Also called: NEUROFIBROMATOSIS, TYPE I, SOMATIC; VON RECKLINGHAUSEN DISEASE; Peripheral type neurofibromatosis; Neurofibromatosis, type I. Identifiers: Orphanet 636, MedGen C0027831, MONDO:0018975, OMIM 162200. Disease mechanism: loss of function.

Submissions (3):

Labcorp Genetics (formerly Invitae), Labcorp
Classification: Pathogenic for Neurofibromatosis, type 1. Last evaluated: 2025-10-01. Review status: criteria provided, single submitter. Criteria: Invitae Variant Classification Sherloc (09022015). Collection method: clinical testing. Allele origin: germline.
Comment: This sequence change creates a premature translational stop signal (p.Arg758Serfs*9) in the NF1 gene. It is expected to result in an absent or disrupted protein product. Loss-of-function variants in NF1 are known to be pathogenic (PMID: 10712197, 23913538). This variant is not present in population databases (gnomAD no frequency). This premature translational stop signal has been observed in individuals with neurofibromatosis type 1 (PMID: 12552569, 25156439). Invitae Evidence Modeling of clinical and family history, age, sex, and reported ancestry of multiple individuals with this NF1 variant has been performed. This variant is expected to be pathogenic with a positive predictive value of at least 99%. This is a validated machine learning model that incorporates the clinical features of 1,785,918 individuals referred to our laboratory for NF1 testing. This variant is also known as c.2271delAA. ClinVar contains an entry for this variant (Variation ID: 849296). For these reasons, this variant has been classified as Pathogenic.

Ambry Genetics
Classification: Pathogenic for Cardiovascular phenotype; Hereditary cancer-predisposing syndrome. Last evaluated: 2025-01-14. Review status: criteria provided, single submitter. Criteria: Ambry Variant Classification Scheme 2023. Collection method: clinical testing. Allele origin: germline.
Comment: The c.2271_2272delAA pathogenic mutation, located in coding exon 19 of the NF1 gene, results from a deletion of two nucleotides at nucleotide positions 2271 to 2272, causing a translational frameshift with a predicted alternate stop codon (p.R758Sfs*9). This variant was reported in individual(s) with features consistent with Neurofibromatosis type 1 (De Luca A et al. Hum Mutat, 2003 Feb;21:171-2; Marchand A et al. Clin Exp Dermatol, 2015 Mar;40:225-6; Pasmant E et al. Eur J Hum Genet, 2015 May;23:596-601; Ambry internal data). This variant is considered to be rare based on population cohorts in the Genome Aggregation Database (gnomAD). In addition to the clinical data presented in the literature, this alteration is expected to result in loss of function by premature protein truncation or nonsense-mediated mRNA decay. As such, this alteration is interpreted as a disease-causing mutation.

GeneDx
Classification: Pathogenic. Last evaluated: 2022-10-14. Review status: criteria provided, single submitter. Criteria: GeneDx Variant Classification Process June 2021. Collection method: clinical testing. Allele origin: germline.
Comment: Frameshift variant predicted to result in protein truncation or nonsense mediated decay in a gene for which loss-of-function is a known mechanism of disease; Not observed at significant frequency in large population cohorts (gnomAD); This variant is associated with the following publications: (PMID: 25156439, 12552569)

Literature cited by the submitters: PubMed 10712197 (cited by Labcorp Genetics (formerly Invitae), Labcorp); PubMed 23913538 (cited by Labcorp Genetics (formerly Invitae), Labcorp); PubMed 12552569 (cited by Labcorp Genetics (formerly Invitae), Labcorp and Ambry Genetics); PubMed 25156439 (cited by Labcorp Genetics (formerly Invitae), Labcorp and Ambry Genetics); PubMed 25074460 (cited by Ambry Genetics).